The following is an entry in ClinVar:

ClinVar aggregate classification (germline): Pathogenic/Likely pathogenic. Review status: criteria provided, multiple submitters, no conflicts (2 of 4 stars). 2 submissions from 2 submitters: Pathogenic (1); Likely pathogenic (1). Last evaluated 2023-03-03.

Conditions:
Microcephalic primordial dwarfism, Alazami type. Also called: FACIAL DYSMORPHISM, INTELLECTUAL DISABILITY, AND PRIMORDIAL DWARFISM; Alazami syndrome. Identifiers: Orphanet 319671, MedGen C3554439, MONDO:0014031, OMIM 615071.

Submissions (2):

Greenwood Genetic Center Diagnostic Laboratories, Greenwood Genetic Center
Classification: Likely pathogenic for Microcephalic primordial dwarfism, Alazami type. Last evaluated: 2023-03-03. Review status: criteria provided, single submitter. Criteria: ACMG Guidelines, 2015. Collection method: clinical testing. Allele origin: germline. Affected: yes.
Comment: PVS1, PM2

Labcorp Genetics (formerly Invitae), Labcorp
Classification: Pathogenic. Last evaluated: 2022-08-29. Review status: criteria provided, single submitter. Criteria: Invitae Variant Classification Sherloc (09022015). Collection method: clinical testing. Allele origin: germline.
Comment: For these reasons, this variant has been classified as Pathogenic. ClinVar contains an entry for this variant (Variation ID: 1323231). This variant has not been reported in the literature in individuals affected with LARP7-related conditions. This variant is present in population databases (no rsID available, gnomAD 0.0009%). This sequence change creates a premature translational stop signal (p.Gln41Alafs*15) in the LARP7 gene. It is expected to result in an absent or disrupted protein product. Loss-of-function variants in LARP7 are known to be pathogenic (PMID: 22865833, 26374271, 26607181).

Literature cited by the submitters: PubMed 22865833 (cited by Labcorp Genetics (formerly Invitae), Labcorp); PubMed 26374271 (cited by Labcorp Genetics (formerly Invitae), Labcorp); PubMed 26607181 (cited by Labcorp Genetics (formerly Invitae), Labcorp).

NM_016648.4(LARP7):c.119dup (p.Gln41fs)

Gene: LARP7 (La ribonucleoprotein 7, transcriptional regulator; plus strand). Cytogenetic location: 4q25.
Variant type: Duplication.
Coding change: c.119dup on transcript NM_016648.4 (MANE Select); coding-DNA position 119, one base duplicated (A; older notation c.119dupA).
Protein change: p.Gln41fs; shifts the reading frame from glutamine 41.
Molecular consequence: frameshift variant. On other transcripts: intron variant (2).
Genome position (GRCh38, 1-based): chr4:112,644,788, A duplicated; the last of 2 consecutive A bases (chr4:112,644,787-112,644,788); duplicating either gives the same sequence. VCF-style (leftmost placement, unchanged base first): chr4-112644786-T-TA. GRCh37 (hg19) VCF-style: chr4-113565942-T-TA.
Other names: c.119dup, p.Gln41fs (NM_001267039.4, NM_001370974.1, NM_001370975.1 and 6 more transcripts); c.-36+20dup (NM_001370982.1, NM_001370981.1); short protein forms Q41fs.
Identifiers: ClinVar variation 1323231 (VCV001323231.8), dbSNP rs1560923303, ClinGen allele CA554060346.